The following is an entry in ClinVar:

NM_201384.3(PLEC):c.1988G>A (p.Arg663Gln)

Gene: PLEC (plectin; minus strand). Cytogenetic location: 8q24.3.
Variant type: single nucleotide variant.
Coding change: c.1988G>A on transcript NM_201384.3 (MANE Select); coding-DNA position 1988, G replaced by A.
Protein change: p.Arg663Gln; replaces arginine 663 with glutamine.
Molecular consequence: missense variant.
Genome position (GRCh38, 1-based): chr8:143,932,224, C>T on the plus strand (G>A on the coding strand, the complement: PLEC is on the minus strand). VCF-style: chr8-143932224-C-T. GRCh37 (hg19) VCF-style: chr8-145006392-C-T.
Other names: c.2069G>A, p.Arg690Gln (NM_000445.5); c.1946G>A, p.Arg649Gln (NM_201378.4); c.1922G>A, p.Arg641Gln (NM_201379.3); c.2399G>A, p.Arg800Gln (NM_201380.4); c.1892G>A, p.Arg631Gln (NM_201381.3); c.1988G>A, p.Arg663Gln (NM_201382.4); c.2000G>A, p.Arg667Gln (NM_201383.3); short protein forms R649Q, R667Q, R690Q, R631Q, R641Q, R663Q, R800Q.
Identifiers: ClinVar variation 1046958 (VCV001046958.5), dbSNP rs1554716583, ClinGen allele CA372577675.
Genomic context (GRCh38, chr8:143,932,224, plus strand): 5'-AGCAGCCGGTCCCCAGCATTTTGGAGCTCCTTGATCTTCTTCTCCTTCAGCTCCAGCTCC[C>T]GCATCAGCGCCTGGCACCAGAGCAAAGGGTCTCAGGGACGGCCGGCCACACCCGGCTCTG-3'
Protein context (NP_958786.1, residues 653-673): AKKESYSALM[Arg663Gln]ELELKEKKIK

ClinVar aggregate classification (germline): Uncertain significance (1 of 4 stars; one submission).

Conditions:
Epidermolysis bullosa simplex 5B, with muscular dystrophy (EBS5B). Also called: EPIDERMOLYSIS BULLOSA SIMPLEX AND LIMB-GIRDLE MUSCULAR DYSTROPHY; Epidermolysis bullosa simplex with muscular dystrophy. Identifiers: Orphanet 257, MedGen C2931072, MONDO:0009181, OMIM 226670.
Epidermolysis bullosa simplex 5C, with pyloric atresia (EBS5C). Also called: Epidermolysis bullosa simplex with pyloric atresia; PLEC-Related Epidermolysis Bullosa with Pyloric Atresia; PLEC1-Related Epidermolysis Bullosa with Pyloric Atresia. Identifiers: Orphanet 158684, MedGen C2677349, MONDO:0012807, OMIM 612138.
Autosomal recessive limb-girdle muscular dystrophy type 2Q (LGMDR17). Also called: MUSCULAR DYSTROPHY, LIMB-GIRDLE, AUTOSOMAL RECESSIVE 17. Identifiers: Orphanet 254361, MedGen C3150989, MONDO:0013390, OMIM 613723.
Epidermolysis bullosa simplex with nail dystrophy (EBS5D). Identifiers: MedGen C4225309, MONDO:0014661, OMIM 616487.
Epidermolysis bullosa simplex, Ogna type (EBS5A). Also called: Pidermolysis bullosa simplex 5A, Ogna type; EPIDERMOLYSIS BULLOSA SIMPLEX 5A, OGNA TYPE. Identifiers: Orphanet 79401, MedGen C0432317, MONDO:0007555, OMIM 131950.

Allele frequency attached by ClinVar (database versions not stated): gnomAD exomes 0.00001.

Submission:

Labcorp Genetics (formerly Invitae), Labcorp
Classification: Uncertain significance for Autosomal recessive limb-girdle muscular dystrophy type 2Q; Epidermolysis bullosa simplex, Ogna type; Epidermolysis bullosa simplex with nail dystrophy; Epidermolysis bullosa simplex 5C, with pyloric atresia; Epidermolysis bullosa simplex 5B, with muscular dystrophy. Last evaluated: 2026-01-30. Review status: criteria provided, single submitter. Criteria: Invitae Variant Classification Sherloc (09022015). Collection method: clinical testing. Allele origin: germline.
Comment: This sequence change replaces arginine, which is basic and polar, with glutamine, which is neutral and polar, at codon 690 of the PLEC protein (p.Arg690Gln). The frequency data for this variant in the population databases is considered unreliable, as metrics indicate poor data quality at this position in the gnomAD database. This variant has not been reported in the literature in individuals affected with PLEC-related conditions. ClinVar contains an entry for this variant (Variation ID: 1046958). Invitae Evidence Modeling of protein sequence and biophysical properties (such as structural, functional, and spatial information, amino acid conservation, physicochemical variation, residue mobility, and thermodynamic stability) indicates that this missense variant is not expected to disrupt PLEC protein function with a negative predictive value of 80%. In summary, the available evidence is currently insufficient to determine the role of this variant in disease. Therefore, it has been classified as a Variant of Uncertain Significance.